The following is an entry in ClinVar:

ClinVar aggregate classification (germline): Uncertain significance (1 of 4 stars; one submission).

Submission:

CeGaT Center for Human Genetics Tuebingen
Classification: Uncertain significance. Last evaluated: 2023-10-01. Review status: criteria provided, single submitter. Criteria: CeGaT Center For Human Genetics Tuebingen Variant Classification Criteria Version 2. Collection method: clinical testing. Allele origin: germline. Affected: yes. Observed: 1 variant allele.
Comment: FANCA: PM2, BP4

NM_000135.4(FANCA):c.2965A>G (p.Met989Val)

Gene: FANCA (FA complementation group A; minus strand). Cytogenetic location: 16q24.3.
Variant type: single nucleotide variant.
Coding change: c.2965A>G on transcript NM_000135.4 (MANE Select); coding-DNA position 2965, A replaced by G.
Protein change: p.Met989Val; replaces methionine 989 with valine.
Molecular consequence: missense variant.
Genome position (GRCh38, 1-based): chr16:89,758,593, T>C on the plus strand (A>G on the coding strand, the complement: FANCA is on the minus strand). VCF-style: chr16-89758593-T-C. GRCh37 (hg19) VCF-style: chr16-89825001-T-C.
Other names: c.2965A>G, p.Met989Val (NM_001286167.3); short protein forms M989V.
Identifiers: ClinVar variation 2647137 (VCV002647137.24), dbSNP rs1235143823, ClinGen allele CA397430966.